The following is an entry in ClinVar:

NM_000264.5(PTCH1):c.2542T>C (p.Phe848Leu)

Genes: PTCH1 (patched 1; minus strand), LOC100507346 (uncharacterized LOC100507346; plus strand). Cytogenetic location: 9q22.32.
Variant type: single nucleotide variant.
Coding change: c.2542T>C on transcript NM_000264.5 (MANE Select); coding-DNA position 2542, T replaced by C.
Protein change: p.Phe848Leu; replaces phenylalanine 848 with leucine.
Molecular consequence: missense variant. On other transcripts: non-coding transcript variant (2).
Genome position (GRCh38, 1-based): chr9:95,467,134, A>G on the plus strand (T>C on the coding strand, the complement: PTCH1 is on the minus strand). VCF-style: chr9-95467134-A-G. GRCh37 (hg19) VCF-style: chr9-98229416-A-G.
Other names: c.2344T>C, p.Phe782Leu (NM_001083602.3); c.2539T>C, p.Phe847Leu (NM_001083603.3); c.2089T>C, p.Phe697Leu (NM_001083604.3, NM_001083605.3, NM_001083606.3 and 1 more transcripts); c.2386T>C, p.Phe796Leu (NM_001354918.2); short protein forms F697L, F782L, F847L, F848L, F796L.
Identifiers: ClinVar variation 3939928 (VCV003939928.1).
Genomic context (GRCh38, chr9:95,467,134, plus strand): 5'-CGCAAAAGACCGAAAGGACGAGAGCCTCCCACGCCGTCTTACCCTGAAGCCAGTCTCTGA[A>G]GTAGTGCAGCCACATTTTGGGAAGCTGTTTGTTTTCTTCCAACATGACATACTTCACGTT-3'
Protein context (NP_000255.2, residues 838-858): KQLPKMWLHY[Phe848Leu]RDWLQGLQDA

ClinVar aggregate classification (germline): Uncertain significance (1 of 4 stars; one submission).

Conditions:
Hereditary cancer-predisposing syndrome. Also called: Tumor predisposition; Hereditary neoplastic syndrome; Hereditary Cancer Syndrome; Neoplastic Syndromes, Hereditary. Identifiers: Orphanet 140162, MedGen C0027672, MeSH D009386, MONDO:0015356.

gnomAD v4.1: 2 of 1,614,230 alleles (0.00012%); highest among the groups gnomAD compares: Non-Finnish European, 0.00017%; no homozygotes.

Submission:

Ambry Genetics
Classification: Uncertain significance for Hereditary cancer-predisposing syndrome. Last evaluated: 2025-03-22. Review status: criteria provided, single submitter. Criteria: Ambry Variant Classification Scheme 2023. Collection method: clinical testing. Allele origin: germline.
Comment: The p.F848L variant (also known as c.2542T>C), located in coding exon 15 of the PTCH1 gene, results from a T to C substitution at nucleotide position 2542. The phenylalanine at codon 848 is replaced by leucine, an amino acid with highly similar properties. This amino acid position is conserved. In addition, the in silico prediction for this alteration is inconclusive. Based on the available evidence, the clinical significance of this variant remains unclear.